The following is an entry in ClinVar:

ClinVar aggregate classification (germline): Uncertain significance (1 of 4 stars; one submission).

Submission:

GeneDx
Classification: Uncertain significance. Last evaluated: 2026-03-04. Review status: criteria provided, single submitter. Criteria: GeneDx Variant Classification Process June 2021. Collection method: clinical testing. Allele origin: germline.
Comment: Not observed at significant frequency in large population cohorts (gnomAD); In silico analysis suggests that this missense variant does not alter protein structure/function; Has not been previously published as pathogenic or benign to our knowledge

NM_022455.5(NSD1):c.370C>T (p.Leu124Phe)

Gene: NSD1 (nuclear receptor binding SET domain protein 1; plus strand). Cytogenetic location: 5q35.3.
Variant type: single nucleotide variant.
Coding change: c.370C>T on transcript NM_022455.5 (MANE Select); coding-DNA position 370, C replaced by T.
Protein change: p.Leu124Phe; replaces leucine 124 with phenylalanine.
Molecular consequence: missense variant. On other transcripts: intron variant (7).
Genome position (GRCh38, 1-based): chr5:177,135,473, C>T. VCF-style: chr5-177135473-C-T. GRCh37 (hg19) VCF-style: chr5-176562474-C-T.
Other names: c.370C>T, p.Leu124Phe (NM_001409301.1, NM_001409302.1, NM_001409303.1 and 1 more transcripts); c.-37+273C>T (NM_001409305.1, NM_001409306.1, NM_001409308.1 and 4 more transcripts); short protein forms L124F.
Identifiers: ClinVar variation 5007990 (VCV005007990.1).